The following is an entry in ClinVar:

NM_005045.4(RELN):c.7886C>T (p.Pro2629Leu)

Gene: RELN (reelin; minus strand). Cytogenetic location: 7q22.1.
Variant type: single nucleotide variant.
Coding change: c.7886C>T on transcript NM_005045.4 (MANE Select); coding-DNA position 7886, C replaced by T.
Protein change: p.Pro2629Leu; replaces proline 2629 with leucine.
Molecular consequence: missense variant.
Genome position (GRCh38, 1-based): chr7:103,515,418, G>A on the plus strand (C>T on the coding strand, the complement: RELN is on the minus strand). VCF-style: chr7-103515418-G-A. GRCh37 (hg19) VCF-style: chr7-103155865-G-A.
Other names: c.7886C>T, p.Pro2629Leu (NM_173054.3); short protein forms P2629L.
Identifiers: ClinVar variation 2950942 (VCV002950942.3), dbSNP rs2484741419, ClinGen allele CA368763560.

ClinVar aggregate classification (germline): Uncertain significance (1 of 4 stars; one submission).

Conditions:
Norman-Roberts syndrome (LIS2). Also called: Lissencephaly 2 (Norman-Roberts type). Identifiers: Orphanet 89844, MedGen C0796089, MONDO:0009760, OMIM 257320.
Familial temporal lobe epilepsy 7. Identifiers: Orphanet 101046, MedGen C4225327, MONDO:0014639, OMIM 616436.

Submission:

Labcorp Genetics (formerly Invitae), Labcorp
Classification: Uncertain significance for Familial temporal lobe epilepsy 7; Norman-Roberts syndrome. Last evaluated: 2023-08-14. Review status: criteria provided, single submitter. Criteria: Invitae Variant Classification Sherloc (09022015). Collection method: clinical testing. Allele origin: germline.
Comment: This sequence change replaces proline, which is neutral and non-polar, with leucine, which is neutral and non-polar, at codon 2629 of the RELN protein (p.Pro2629Leu). This variant is not present in population databases (gnomAD no frequency). This variant has not been reported in the literature in individuals affected with RELN-related conditions. Advanced modeling of protein sequence and biophysical properties (such as structural, functional, and spatial information, amino acid conservation, physicochemical variation, residue mobility, and thermodynamic stability) performed at Invitae indicates that this missense variant is not expected to disrupt RELN protein function. Algorithms developed to predict the effect of sequence changes on RNA splicing suggest that this variant may create or strengthen a splice site. In summary, the available evidence is currently insufficient to determine the role of this variant in disease. Therefore, it has been classified as a Variant of Uncertain Significance.